The following is an entry in ClinVar:

NM_000023.4(SGCA):c.1108C>T (p.Arg370Trp)

Gene: SGCA (sarcoglycan alpha; plus strand). Cytogenetic location: 17q21.33.
Variant type: single nucleotide variant.
Coding change: c.1108C>T on transcript NM_000023.4 (MANE Select); coding-DNA position 1108, C replaced by T.
Protein change: p.Arg370Trp; replaces arginine 370 with tryptophan.
Molecular consequence: missense variant. On other transcripts: non-coding transcript variant (1).
Genome position (GRCh38, 1-based): chr17:50,175,381, C>T. VCF-style: chr17-50175381-C-T. GRCh37 (hg19) VCF-style: chr17-48252742-C-T.
Other names: c.736C>T, p.Arg246Trp (NM_001135697.3); c.1108C>T (NM_000023.2); short protein forms R370W, R246W.
Identifiers: ClinVar variation 497816 (VCV000497816.10), dbSNP rs368243053, ClinGen allele CA8644086.

ClinVar aggregate classification (germline): Uncertain significance. Review status: criteria provided, multiple submitters, no conflicts (2 of 4 stars). 5 submissions from 5 submitters: Uncertain significance (5). Last evaluated 2025-12-09.

Conditions:
Inborn genetic diseases. Identifiers: MedGen C0950123, MeSH D030342.
Autosomal recessive limb-girdle muscular dystrophy type 2D (LGMDR3). Also called: MUSCULAR DYSTROPHY, LIMB-GIRDLE, AUTOSOMAL RECESSIVE 3; ADHALINOPATHY, PRIMARY; DUCHENNE-LIKE AUTOSOMAL RECESSIVE MUSCULAR DYSTROPHY, TYPE 2. Identifiers: Orphanet 62, MedGen C2936332, MONDO:0011968, OMIM 608099. Disease mechanism: Affects gamma-sarcoglycan and also disrupts the integrity of the entire sarcoglycan complex..

Allele frequency attached by ClinVar (database versions not stated): ExAC 0.00001; gnomAD exomes 0.00001; TOPMed 0.00005; ESP Exome Variant Server 0.00008.
gnomAD v4.1: 98 of 1,612,904 alleles (0.0061%); highest among the groups gnomAD compares: African/African-American, 0.008%; no homozygotes.

Submissions (5):

Ambry Genetics
Classification: Uncertain significance for Inborn genetic diseases. Last evaluated: 2025-12-09. Review status: criteria provided, single submitter. Criteria: Ambry Variant Classification Scheme 2023. Collection method: clinical testing. Allele origin: germline.

Revvity Omics, Revvity
Classification: Uncertain significance for Autosomal recessive limb-girdle muscular dystrophy type 2D. Last evaluated: 2025-03-19. Review status: criteria provided, single submitter. Criteria: ACMG Guidelines, 2015. Collection method: clinical testing. Allele origin: germline.

Genome-Nilou Lab
Classification: Uncertain significance for Autosomal recessive limb-girdle muscular dystrophy type 2D. Last evaluated: 2023-02-08. Review status: criteria provided, single submitter. Criteria: ACMG Guidelines, 2015. Collection method: clinical testing. Allele origin: germline.

Labcorp Genetics (formerly Invitae), Labcorp
Classification: Uncertain significance for Autosomal recessive limb-girdle muscular dystrophy type 2D. Last evaluated: 2022-08-15. Review status: criteria provided, single submitter. Criteria: Invitae Variant Classification Sherloc (09022015). Collection method: clinical testing. Allele origin: germline.
Comment: This sequence change replaces arginine, which is basic and polar, with tryptophan, which is neutral and slightly polar, at codon 370 of the SGCA protein (p.Arg370Trp). This variant is present in population databases (rs368243053, gnomAD 0.004%). This variant has not been reported in the literature in individuals affected with SGCA-related conditions. ClinVar contains an entry for this variant (Variation ID: 497816). Advanced modeling of protein sequence and biophysical properties (such as structural, functional, and spatial information, amino acid conservation, physicochemical variation, residue mobility, and thermodynamic stability) performed at Invitae indicates that this missense variant is expected to disrupt SGCA protein function. Algorithms developed to predict the effect of sequence changes on RNA splicing suggest that this variant may disrupt the consensus splice site. In summary, the available evidence is currently insufficient to determine the role of this variant in disease. Therefore, it has been classified as a Variant of Uncertain Significance.

Eurofins Ntd Llc (ga)
Classification: Uncertain significance. Last evaluated: 2016-10-18. Review status: criteria provided, single submitter. Criteria: EGL Classification Definitions 2015. Collection method: clinical testing. Allele origin: germline. Observed: 1 variant allele, 1 heterozygote.